The following is an entry in ClinVar:

ClinVar aggregate classification (germline): Pathogenic (0 of 4 stars; one submission).

Conditions:
Hereditary spherocytosis (SPH). Also called: Congenital spherocytosis; Congenital spherocytic hemolytic anemia. Identifiers: Orphanet 822, MedGen C0037889, MONDO:0019350. Disease mechanism: loss of function.

Allele frequency attached by ClinVar (database versions not stated): gnomAD exomes below 0.00001.
gnomAD v4.1: 1 of 1,614,160 alleles (0.000062%); highest among the groups gnomAD compares: East Asian, 0.0022%; no homozygotes.

Submission:

Department of Hematology, 303rd Hospital of the People's Liberation Army
Classification: Pathogenic for Hereditary spherocytosis. Last evaluated: 2018-02-03. Review status: no assertion criteria provided. Collection method: clinical testing. Allele origin: inherited. Inheritance: Autosomal recessive inheritance. Affected: yes. Observed: 1 variant allele, 1 homozygote.
Comment: Five genes are reported to be associated with HS, including Ankyrin (ANK1), band 3 (SLC4A1), Î±-spectrin (SPTA1), Î²-spectrin (SPTB), and protein 4.2 (EPB42). Î²-Spectrin, encoded by SPTB, plays an important role (He BJ 2018). A mutation in an allele of Î²-spectrin can lead to erythrocytosis; if both alleles are mutated, the incidence of HS increases (Perrotta S 2008). The common mutation types in SPTB often lead to defects in mRNA processing and truncated Î²-spectrin(Maciag M 2009). Scores for predicting the probability of a damaging mutation using Sorting Tolerant From Intolerant (SIFT) and Polymorphism Phenotyping v2 (PolyPhen-2) were high. The damaging effect of the novel SPTB mutation on the function of membrane proteins was further verified by EMA-BT and flow cytometry showed that the mean fluorescence intensity (MFI) of eosine-5-maleimide (EMA) in the erythrocytes of the patient was decreased by 47.1% (normal: <16%). In summary, the L2032P variant meets our criteria to be classified as pathogenic.

NM_001355436.2(SPTB):c.6095T>C (p.Leu2032Pro)

Gene: SPTB (spectrin beta, erythrocytic; minus strand). Cytogenetic location: 14q23.3.
Variant type: single nucleotide variant.
Coding change: c.6095T>C on transcript NM_001355436.2 (MANE Select); coding-DNA position 6095, T replaced by C.
Protein change: p.Leu2032Pro; replaces leucine 2032 with proline.
Molecular consequence: missense variant.
Genome position (GRCh38, 1-based): chr14:64,767,787, A>G on the plus strand (T>C on the coding strand, the complement: SPTB is on the minus strand). VCF-style: chr14-64767787-A-G. GRCh37 (hg19) VCF-style: chr14-65234505-A-G.
Other names: c.6095T>C, p.Leu2032Pro (NM_001024858.4, NM_001355437.2); short protein forms L2032P.
Identifiers: ClinVar variation 522602 (VCV000522602.3), dbSNP rs1555366607, ClinGen allele CA390039437.